The following is an entry in ClinVar:

ClinVar aggregate classification (germline): Uncertain significance. Review status: criteria provided, multiple submitters, no conflicts (2 of 4 stars). 2 submissions from 2 submitters: Uncertain significance (2). Last evaluated 2026-01-04.

Conditions:
Hereditary cancer-predisposing syndrome. Also called: Neoplastic Syndromes, Hereditary; Hereditary neoplastic syndrome; Hereditary Cancer Syndrome; Tumor predisposition. Identifiers: Orphanet 140162, MedGen C0027672, MeSH D009386, MONDO:0015356.
DICER1-related tumor predisposition. Also called: DICER1 syndrome; DICER1-related pleuropulmonary blastoma cancer predisposition syndrome. Identifiers: Orphanet 284343, MedGen C3839822, MONDO:0100216.

Submissions (2):

Labcorp Genetics (formerly Invitae), Labcorp
Classification: Uncertain significance for DICER1-related tumor predisposition. Last evaluated: 2026-01-04. Review status: criteria provided, single submitter. Criteria: Invitae Variant Classification Sherloc (09022015). Collection method: clinical testing. Allele origin: germline.
Comment: This sequence change replaces aspartic acid, which is acidic and polar, with histidine, which is basic and polar, at codon 1441 of the DICER1 protein (p.Asp1441His). This variant is not present in population databases (gnomAD no frequency). This variant has not been reported in the literature in individuals affected with DICER1-related conditions. ClinVar contains an entry for this variant (Variation ID: 656520). Invitae Evidence Modeling of protein sequence and biophysical properties (such as structural, functional, and spatial information, amino acid conservation, physicochemical variation, residue mobility, and thermodynamic stability) indicates that this missense variant is not expected to disrupt DICER1 protein function with a negative predictive value of 95%. In summary, the available evidence is currently insufficient to determine the role of this variant in disease. Therefore, it has been classified as a Variant of Uncertain Significance.

Ambry Genetics
Classification: Uncertain significance for Hereditary cancer-predisposing syndrome. Last evaluated: 2025-02-28. Review status: criteria provided, single submitter. Criteria: Ambry Variant Classification Scheme 2023. Collection method: clinical testing. Allele origin: germline.
Comment: The p.D1441H variant (also known as c.4321G>C), located in coding exon 22 of the DICER1 gene, results from a G to C substitution at nucleotide position 4321. The aspartic acid at codon 1441 is replaced by histidine, an amino acid with similar properties. This amino acid position is conserved. In addition, this alteration is predicted to be deleterious by in silico analysis. Based on the available evidence, the clinical significance of this variant remains unclear.

NM_177438.3(DICER1):c.4321G>C (p.Asp1441His)

Gene: DICER1 (dicer 1, ribonuclease III; minus strand). Cytogenetic location: 14q32.13.
Variant type: single nucleotide variant.
Coding change: c.4321G>C on transcript NM_177438.3 (MANE Select); coding-DNA position 4321, G replaced by C.
Protein change: p.Asp1441His; replaces aspartic acid 1441 with histidine.
Molecular consequence: missense variant.
Genome position (GRCh38, 1-based): chr14:95,096,599, C>G on the plus strand (G>C on the coding strand, the complement: DICER1 is on the minus strand). VCF-style: chr14-95096599-C-G. GRCh37 (hg19) VCF-style: chr14-95562936-C-G.
Other names: c.4321G>C, p.Asp1441His (NM_001195573.1, NM_001271282.3, NM_001291628.2 and 1 more transcripts); short protein forms D1441H.
Identifiers: ClinVar variation 656520 (VCV000656520.11), dbSNP rs752291344, ClinGen allele CA390869342.
Genomic context (GRCh38, chr14:95,096,599, plus strand): 5'-CTGACCCCATTAACATATTATCTATAAATCTGATATGTTCCTGATCATACTCCAGGAAAT[C>G]ATCTTCATAGTCAGCCTCTTCCTTCGGAGCCCTCCACATCAGGCTCTCCTCCTCCTCATC-3'
Protein context (NP_803187.1, residues 1431-1451): APKEEADYED[Asp1441His]FLEYDQEHIR